The following is an entry in ClinVar:

NM_001029883.3(PCARE):c.1493G>A (p.Ser498Asn)

Gene: PCARE (photoreceptor cilium actin regulator; minus strand). Cytogenetic location: 2p23.2.
Variant type: single nucleotide variant.
Coding change: c.1493G>A on transcript NM_001029883.3 (MANE Select); coding-DNA position 1493, G replaced by A.
Protein change: p.Ser498Asn; replaces serine 498 with asparagine.
Molecular consequence: missense variant.
Genome position (GRCh38, 1-based): chr2:29,072,769, C>T on the plus strand (G>A on the coding strand, the complement: PCARE is on the minus strand). VCF-style: chr2-29072769-C-T. GRCh37 (hg19) VCF-style: chr2-29295635-C-T.
Other names: short protein forms S498N.
Identifiers: ClinVar variation 1951034 (VCV001951034.3), dbSNP rs778041277, ClinGen allele CA1592410.

ClinVar aggregate classification (germline): Uncertain significance. Review status: criteria provided, multiple submitters, no conflicts (2 of 4 stars). 2 submissions from 2 submitters: Uncertain significance (2). Last evaluated 2022-07-23.

Allele frequency attached by ClinVar (database versions not stated): gnomAD exomes below 0.00001; ExAC 0.00003; gnomAD 0.00003.
gnomAD v4.1: 12 of 1,613,958 alleles (0.00074%); highest among the groups gnomAD compares: African/African-American, 0.0027%; no homozygotes.

Submissions (2):

Labcorp Genetics (formerly Invitae), Labcorp
Classification: Uncertain significance. Last evaluated: 2022-07-23. Review status: criteria provided, single submitter. Criteria: Invitae Variant Classification Sherloc (09022015). Collection method: clinical testing. Allele origin: germline.
Comment: This sequence change replaces serine, which is neutral and polar, with asparagine, which is neutral and polar, at codon 498 of the PCARE protein (p.Ser498Asn). This variant is present in population databases (rs778041277, gnomAD 0.007%). This variant has not been reported in the literature in individuals affected with PCARE-related conditions. Algorithms developed to predict the effect of missense changes on protein structure and function output the following: SIFT: "Tolerated"; PolyPhen-2: "Benign"; Align-GVGD: "Class C0". The asparagine amino acid residue is found in multiple mammalian species, which suggests that this missense change does not adversely affect protein function. In summary, the available evidence is currently insufficient to determine the role of this variant in disease. Therefore, it has been classified as a Variant of Uncertain Significance.

Blueprint Genetics
Classification: Uncertain significance. Last evaluated: 2019-07-18. Review status: criteria provided, single submitter. Criteria: ACMG Guidelines, 2015. Collection method: clinical testing. Allele origin: germline.